The following is an entry in ClinVar:

NM_002609.4(PDGFRB):c.51G>A (p.Leu17=)

Gene: PDGFRB (platelet derived growth factor receptor beta; minus strand). Cytogenetic location: 5q32.
Variant type: single nucleotide variant.
Coding change: c.51G>A on transcript NM_002609.4 (MANE Select); coding-DNA position 51, G replaced by A.
Protein change: p.Leu17=; no amino-acid change (leucine 17 retained).
Molecular consequence: synonymous variant. On other transcripts: 5 prime UTR variant (2).
Genome position (GRCh38, 1-based): chr5:150,135,868, C>T on the plus strand (G>A on the coding strand, the complement: PDGFRB is on the minus strand). VCF-style: chr5-150135868-C-T. GRCh37 (hg19) VCF-style: chr5-149515431-C-T.
Other names: c.-142G>A (NM_001355016.2); c.-467G>A (NM_001355017.2).
Identifiers: ClinVar variation 3054608 (VCV003054608.2), dbSNP rs145437694, ClinGen allele CA3508422.
Genomic context (GRCh38, chr5:150,135,868, plus strand): 5'-GGGTGTGACGACCAGGCCCTGAGAGATCTGTGGTTCCAGAAGTAACAGGAGAGACAGCAA[C>T]AGCAGCTCGCCTTTGGGAGAGGAGGTATCAGACATCAGGAAACAGGGGCTTCAGCACCTC-3'
Protein context (NP_002600.1, residues 7-27): MPALALKGEL[Leu17=]LLSLLLLLEP

ClinVar aggregate classification (germline): Likely benign (0 of 4 stars; one submission).

Conditions:
PDGFRB-related disorder. Also called: PDGFRB-related condition.

Allele frequency attached by ClinVar (database versions not stated): gnomAD 0.00001; TOPMed 0.00002; ExAC 0.00003; gnomAD exomes 0.00003; ESP Exome Variant Server 0.00015.
gnomAD v4.1: 40 of 1,525,284 alleles (0.0026%); highest among the groups gnomAD compares: Non-Finnish European, 0.0034%; no homozygotes.

Submission:

PreventionGenetics, part of Exact Sciences
Classification: Likely benign for PDGFRB-related condition. Last evaluated: 2023-11-14. Review status: no assertion criteria provided. Collection method: clinical testing. Allele origin: germline.
Comment: This variant is classified as likely benign based on ACMG/AMP sequence variant interpretation guidelines (Richards et al. 2015 PMID: 25741868, with internal and published modifications).